The following is an entry in ClinVar:

ClinVar aggregate classification (germline): Uncertain significance. Review status: criteria provided, multiple submitters, no conflicts (2 of 4 stars). 2 submissions from 2 submitters: Uncertain significance (2). Last evaluated 2024-12-17.

Submissions (2):

ARUP Laboratories, Molecular Genetics and Genomics, ARUP Laboratories
Classification: Uncertain significance. Last evaluated: 2024-12-17. Review status: criteria provided, single submitter. Criteria: ARUP Molecular Germline Variant Investigation Process 2024. Collection method: clinical testing. Allele origin: germline.
Comment: The F8 c.461C>A; p.Thr154Lys variant (ClinVar Variation ID: 3383642) is reported in the literature in an individual affected with mild hemophilia A (Rydz 2013). This variant is absent from the Genome Aggregation Database (v2.1.1), indicating it is not a common polymorphism. Computational analyses predict that this variant is deleterious (REVEL: 0.747). Additionally, other variants at this codon (c.460A>G; p.Thr154Ala; c.460A>C; p.Thr154Pro) have been reported in individuals with hemophilia A (Downes 2019, see F8 database and references therein). Due to limited information, the clinical significance of the p.Thr154Lys variant is uncertain at this time. References: Link to F8 database: Downes K et al. Diagnostic high-throughput sequencing of 2396 patients with bleeding, thrombotic, and platelet disorders. Blood. 2019 Dec 5;134(23):2082-2091. PMID: 31064749. Rydz N et al. The Canadian "National Program for hemophilia mutation testing" database: a ten-year review. Am J Hematol. 2013 Dec;88(12):1030-4. PMID: 23913812.

GeneDx
Classification: Uncertain significance. Last evaluated: 2024-05-30. Review status: criteria provided, single submitter. Criteria: GeneDx Variant Classification Process June 2021. Collection method: clinical testing. Allele origin: germline. Affected: yes.
Comment: Identified in an individual with mild hemophilia A in the published literature, however further clinical or segregation information was not provided (PMID: 23913812); In silico analysis supports that this missense variant has a deleterious effect on protein structure/function; Not observed at significant frequency in large population cohorts (gnomAD); This variant is associated with the following publications: (PMID: 23913812)

NM_000132.4(F8):c.461C>A (p.Thr154Lys)

Gene: F8 (coagulation factor VIII; minus strand). Cytogenetic location: Xq28.
Variant type: single nucleotide variant.
Coding change: c.461C>A on transcript NM_000132.4 (MANE Select); coding-DNA position 461, C replaced by A.
Protein change: p.Thr154Lys; replaces threonine 154 with lysine.
Molecular consequence: missense variant.
Genome position (GRCh38, 1-based): chrX:154,993,076, G>T on the plus strand (C>A on the coding strand, the complement: F8 is on the minus strand). VCF-style: chrX-154993076-G-T. GRCh37 (hg19) VCF-style: chrX-154221351-G-T.
Other names: short protein forms T154K.
Identifiers: ClinVar variation 3383642 (VCV003383642.2).
Genomic context (GRCh38, chrX:154,993,076, plus strand): 5'-GTAAGGCACAGTGGGTCAGAGGCCATTGGACCATTCTCTTTCAGGACCTGCCAGACATAT[G>T]TATGGCTTCCACCAGGGAAGACTTTATCATCTTCTTTCTCCCTTTGACTGGTCTGATCAT-3'
Protein context (NP_000123.1, residues 144-164): DDKVFPGGSH[Thr154Lys]YVWQVLKENG